The following is an entry in ClinVar:

NM_004820.5(CYP7B1):c.*529A>G

Gene: CYP7B1 (cytochrome P450 family 7 subfamily B member 1; minus strand). Cytogenetic location: 8q12.3.
Variant type: single nucleotide variant.
Coding change: c.*529A>G on transcript NM_004820.5 (MANE Select); 529 bases downstream of the stop codon, A replaced by G.
Molecular consequence: 3 prime UTR variant. On other transcripts: intron variant (1).
Genome position (GRCh38, 1-based): chr8:64,596,113, T>C on the plus strand (A>G on the coding strand, the complement: CYP7B1 is on the minus strand). VCF-style: chr8-64596113-T-C. GRCh37 (hg19) VCF-style: chr8-65508670-T-C.
Other names: c.1234-6269A>G (NM_001324112.2).
Identifiers: ClinVar variation 363574 (VCV000363574.5), dbSNP rs113473170, ClinGen allele CA10631498.

ClinVar aggregate classification (germline): Benign (1 of 4 stars; one submission).

Conditions:
Hereditary spastic paraplegia 5A (SPG5A). Also called: SPASTIC PARAPLEGIA 5A, AUTOSOMAL RECESSIVE. Identifiers: Orphanet 100986, MedGen C1849115, MONDO:0010047, OMIM 270800.

Allele frequency attached by ClinVar (database versions not stated): gnomAD exomes 0.00433; gnomAD 0.03896 and 0.04173; TOPMed 0.04418; 1000 Genomes Project 0.04992; 1000 Genomes Project 30x 0.05309.
gnomAD v4.1: 5,957 of 162,290 alleles (3.7%); highest among the groups gnomAD compares: African/African-American, 13%; 356 homozygotes.

Submission:

Illumina Laboratory Services, Illumina
Classification: Benign for Hereditary spastic paraplegia 5A. Last evaluated: 2018-01-12. Review status: criteria provided, single submitter. Criteria: ICSL Variant Classification Criteria 13 December 2019. Collection method: clinical testing. Allele origin: germline.
Comment: This variant was observed in the ICSL laboratory as part of a predisposition screen in an ostensibly healthy population. It had not been previously curated by ICSL or reported in the Human Gene Mutation Database (HGMD: prior to June 1st, 2018), and was therefore a candidate for classification through an automated scoring system. Utilizing variant allele frequency, disease prevalence and penetrance estimates, and inheritance mode, an automated score was calculated to assess if this variant is too frequent to cause the disease. Based on the score and internal cut-off values, a variant classified as benign is not then subjected to further curation. The score for this variant resulted in a classification of benign for this disease.